The following is an entry in ClinVar:

ClinVar aggregate classification (germline): Uncertain significance (1 of 4 stars; one submission).

Conditions:
3-methylglutaconic aciduria with deafness, encephalopathy, and Leigh-like syndrome (MEGDEL). Also called: 3-METHYLGLUTACONIC ACIDURIA, TYPE VI; SERAC1 Deficiency; MEGDEL syndrome. Identifiers: Orphanet 352328, MedGen C4040739, MONDO:0013875, OMIM 614739.

Allele frequency attached by ClinVar (database versions not stated): ExAC 0.00012.

Submission:

Labcorp Genetics (formerly Invitae), Labcorp
Classification: Uncertain significance for 3-methylglutaconic aciduria with deafness, encephalopathy, and Leigh-like syndrome. Last evaluated: 2022-06-09. Review status: criteria provided, single submitter. Criteria: Invitae Variant Classification Sherloc (09022015). Collection method: clinical testing. Allele origin: germline.
Comment: This variant is present in population databases (rs745780427, gnomAD 0.01%). In summary, the available evidence is currently insufficient to determine the role of this variant in disease. Therefore, it has been classified as a Variant of Uncertain Significance. Algorithms developed to predict the effect of sequence changes on RNA splicing suggest that this variant may disrupt the consensus splice site. This variant has not been reported in the literature in individuals affected with SERAC1-related conditions. This sequence change affects codon 613 of the SERAC1 mRNA. It is a 'silent' change, meaning that it does not change the encoded amino acid sequence of the SERAC1 protein.

NM_032861.4(SERAC1):c.1839T>A (p.Ile613=)

Gene: SERAC1 (serine active site containing 1; minus strand). Cytogenetic location: 6q25.3.
Variant type: single nucleotide variant.
Coding change: c.1839T>A on transcript NM_032861.4 (MANE Select); coding-DNA position 1839, T replaced by A.
Protein change: p.Ile613=; no amino-acid change (isoleucine 613 retained).
Molecular consequence: synonymous variant.
Genome position (GRCh38, 1-based): chr6:158,111,492, A>T on the plus strand (T>A on the coding strand, the complement: SERAC1 is on the minus strand). VCF-style: chr6-158111492-A-T. GRCh37 (hg19) VCF-style: chr6-158532524-A-T.
Identifiers: ClinVar variation 2163961 (VCV002163961.4), dbSNP rs745780427, ClinGen allele CA4070919.
Genomic context (GRCh38, chr6:158,111,492, plus strand): 5'-ATCCTTTTTCTTTGGCTTACAAATGTTCAAATGGTTAACATCCACAGGAATTAGATCTCC[A>T]ATGCCTAAATCTGAAGAAAATAAAAAAGTCAATAAACCTAAGTAAAAATATAAGCTTTCC-3'
Protein context (NP_116250.3, residues 603-623): VVPVESADLG[Ile613=]GDLIPVDVNH